The following is an entry in ClinVar:

ClinVar aggregate classification (germline): Conflicting classifications of pathogenicity. Review status: criteria provided, conflicting classifications (1 of 4 stars). 3 submissions from 3 submitters: Uncertain significance (2); Likely benign (1). Last evaluated 2025-06-29.

Conditions:
Cardiovascular phenotype. Identifiers: MedGen CN230736.
Ventricular tachycardia. Identifiers: MedGen C0042514, MONDO:0005477, HP:0004756.
Progressive familial heart block type IB (PFHB1B). Identifiers: Orphanet 871, MedGen C1970298, MONDO:0011474, OMIM 604559.

Allele frequency attached by ClinVar (database versions not stated): gnomAD 0.00001; TOPMed 0.00001.
gnomAD v4.1: 28 of 1,556,114 alleles (0.0018%); highest among the groups gnomAD compares: South Asian, 0.024%; no homozygotes.

Submissions (3):

Labcorp Genetics (formerly Invitae), Labcorp
Classification: Uncertain significance for Progressive familial heart block type IB. Last evaluated: 2025-06-29. Review status: criteria provided, single submitter. Criteria: Invitae Variant Classification Sherloc (09022015). Collection method: clinical testing. Allele origin: germline.
Comment: This sequence change replaces arginine, which is basic and polar, with histidine, which is basic and polar, at codon 755 of the TRPM4 protein (p.Arg755His). The frequency data for this variant in the population databases is considered unreliable, as metrics indicate poor data quality at this position in the gnomAD database. This variant has not been reported in the literature in individuals affected with TRPM4-related conditions. ClinVar contains an entry for this variant (Variation ID: 691739). An algorithm developed to predict the effect of missense changes on protein structure and function outputs the following: PolyPhen-2: "Benign". The histidine amino acid residue is found in multiple mammalian species, which suggests that this missense change does not adversely affect protein function. In summary, the available evidence is currently insufficient to determine the role of this variant in disease. Therefore, it has been classified as a Variant of Uncertain Significance.

Ambry Genetics
Classification: Uncertain significance for Cardiovascular phenotype. Last evaluated: 2023-10-10. Review status: criteria provided, single submitter. Criteria: Ambry Variant Classification Scheme 2023. Collection method: clinical testing. Allele origin: germline.
Comment: The p.R755H variant (also known as c.2264G>A), located in coding exon 17 of the TRPM4 gene, results from a G to A substitution at nucleotide position 2264. The arginine at codon 755 is replaced by histidine, an amino acid with highly similar properties. This amino acid position is poorly conserved in available vertebrate species. In addition, this alteration is predicted to be tolerated by in silico analysis. Since supporting evidence is limited at this time, the clinical significance of this alteration remains unclear.

Center for Advanced Laboratory Medicine, UC San Diego Health, University of California San Diego
Classification: Likely benign for Ventricular tachycardia. Last evaluated: 2019-01-31. Review status: criteria provided, single submitter. Criteria: ACMG Guidelines, 2015. Collection method: clinical testing. Allele origin: germline. Affected: yes. Observed: 1 variant allele.

NM_017636.4(TRPM4):c.2264G>A (p.Arg755His)

Gene: TRPM4 (transient receptor potential cation channel subfamily M member 4; plus strand). Cytogenetic location: 19q13.33.
Variant type: single nucleotide variant.
Coding change: c.2264G>A on transcript NM_017636.4 (MANE Select); coding-DNA position 2264, G replaced by A.
Protein change: p.Arg755His; replaces arginine 755 with histidine.
Molecular consequence: missense variant. On other transcripts: intron variant (1).
Genome position (GRCh38, 1-based): chr19:49,196,493, G>A. VCF-style: chr19-49196493-G-A. GRCh37 (hg19) VCF-style: chr19-49699750-G-A.
Other names: c.1919G>A, p.Arg640His (NM_001321281.2); c.656G>A, p.Arg219His (NM_001321282.2); c.1742G>A, p.Arg581His (NM_001321283.2); c.1202G>A, p.Arg401His (NM_001321285.2); c.2211-3807G>A (NM_001195227.2); short protein forms R219H, R581H, R640H, R401H, R755H.
Identifiers: ClinVar variation 691739 (VCV000691739.10), dbSNP rs751903628, ClinGen allele CA9569512.
Genomic context (GRCh38, chr19:49,196,493, plus strand): 5'-CCCACAGGACGGCGGACCCAGCCGAGAAGACGCCGCTGGGGGTCCCGCGCCAGTCGGGCC[G>A]TCCGGGTTGCTGCGGGGGCCGCTGCGGGGGGCGCCGGTGCCTACGCCGCTGGTTCCACTT-3'
Protein context (NP_060106.2, residues 745-765): TPLGVPRQSG[Arg755His]PGCCGGRCGG